The following is an entry in ClinVar:

NM_182972.3(IRF2BP2):c.732_734dup (p.Ala246dup)

Gene: IRF2BP2 (interferon regulatory factor 2 binding protein 2; minus strand). Cytogenetic location: 1q42.3.
Variant type: Duplication.
Coding change: c.732_734dup on transcript NM_182972.3 (MANE Select); coding-DNA positions 732 to 734, 3 bases duplicated (CGC; older notation c.732_734dupCGC).
Protein change: p.Ala246dup; duplicates alanine 246.
Molecular consequence: inframe insertion.
Genome position (GRCh38, 1-based): chr1:234,608,761-234,608,763, GCG duplicated on the plus strand (CGC on the coding strand, the reverse complement: IRF2BP2 is on the minus strand). VCF-style (leftmost placement, unchanged base first): chr1-234608760-A-AGCG. GRCh37 (hg19) VCF-style: chr1-234744506-A-AGCG.
Other names: c.732_734dup, p.Ala246dup (NM_001077397.1).
Identifiers: ClinVar variation 1508882 (VCV001508882.8), dbSNP rs987000901, ClinGen allele CA39546350.

ClinVar aggregate classification (germline): Uncertain significance (1 of 4 stars; one submission).

Allele frequency attached by ClinVar (database versions not stated): TOPMed 0.00002; gnomAD 0.00003 and 0.00004; gnomAD exomes 0.00005 and 0.00008.

Submission:

Labcorp Genetics (formerly Invitae), Labcorp
Classification: Uncertain significance. Last evaluated: 2025-06-24. Review status: criteria provided, single submitter. Criteria: Invitae Variant Classification Sherloc (09022015). Collection method: clinical testing. Allele origin: germline.
Comment: This variant, c.732_734dup, results in the insertion of 1 amino acid(s) of the IRF2BP2 protein (p.Ala246dup), but otherwise preserves the integrity of the reading frame. This variant is present in population databases (no rsID available, gnomAD 0.01%). This variant has not been reported in the literature in individuals affected with IRF2BP2-related conditions. ClinVar contains an entry for this variant (Variation ID: 1508882). Experimental studies and prediction algorithms are not available or were not evaluated, and the functional significance of this variant is currently unknown. In summary, the available evidence is currently insufficient to determine the role of this variant in disease. Therefore, it has been classified as a Variant of Uncertain Significance.